The following is an entry in ClinVar:

NM_002875.5(RAD51):c.758T>G (p.Leu253Arg)

Gene: RAD51 (RAD51 recombinase; plus strand). Cytogenetic location: 15q15.1.
Variant type: single nucleotide variant.
Coding change: c.758T>G on transcript NM_002875.5 (MANE Select); coding-DNA position 758, T replaced by G.
Protein change: p.Leu253Arg; replaces leucine 253 with arginine.
Molecular consequence: missense variant.
Genome position (GRCh38, 1-based): chr15:40,729,618, T>G. VCF-style: chr15-40729618-T-G. GRCh37 (hg19) VCF-style: chr15-41021816-T-G.
Other names: c.761T>G, p.Leu254Arg (NM_001164269.2, NM_133487.4); c.758T>G, p.Leu253Arg (NM_001164270.2); short protein forms L254R, L253R.
Identifiers: ClinVar variation 1993968 (VCV001993968.4), dbSNP rs376436790, ClinGen allele CA268850592.

ClinVar aggregate classification (germline): Uncertain significance (1 of 4 stars; one submission).

Allele frequency attached by ClinVar (database versions not stated): gnomAD 0.00001; ESP Exome Variant Server 0.00008.
gnomAD v4.1: 1 of 1,613,868 alleles (0.000062%); highest among the groups gnomAD compares: African/African-American, 0.0013%; no homozygotes.

Submission:

Labcorp Genetics (formerly Invitae), Labcorp
Classification: Uncertain significance. Last evaluated: 2022-05-13. Review status: criteria provided, single submitter. Criteria: Invitae Variant Classification Sherloc (09022015). Collection method: clinical testing. Allele origin: germline.
Comment: In summary, the available evidence is currently insufficient to determine the role of this variant in disease. Therefore, it has been classified as a Variant of Uncertain Significance. Algorithms developed to predict the effect of missense changes on protein structure and function are either unavailable or do not agree on the potential impact of this missense change (SIFT: "Tolerated"; PolyPhen-2: "Possibly Damaging"; Align-GVGD: "Class C0"). This variant has not been reported in the literature in individuals affected with RAD51-related conditions. This variant is not present in population databases (gnomAD no frequency). This sequence change replaces leucine, which is neutral and non-polar, with arginine, which is basic and polar, at codon 253 of the RAD51 protein (p.Leu253Arg).